The following is an entry in ClinVar:

ClinVar aggregate classification (germline): Conflicting classifications of pathogenicity. Review status: criteria provided, conflicting classifications (1 of 4 stars). 2 submissions from 2 submitters: Pathogenic (1); Uncertain significance (1). Last evaluated 2023-02-10.

Conditions:
Developmental and epileptic encephalopathy, 42 (DEE42A). Also called: DEVELOPMENTAL AND EPILEPTIC ENCEPHALOPATHY 42A; EPILEPTIC ENCEPHALOPATHY, EARLY INFANTILE, 42A; Epileptic encephalopathy, early infantile, 42. Identifiers: MedGen C4310716, MONDO:0014917, OMIM 617106.
Episodic ataxia type 2 (EA2). Also called: ATAXIA, EPISODIC, WITH NYSTAGMUS; ATAXIA, FAMILIAL PAROXYSMAL; CEREBELLAR ATAXIA, PAROXYSMAL, ACETAZOLAMIDE-RESPONSIVE; CEREBELLOPATHY, HEREDITARY PAROXYSMAL; EPISODIC ATAXIA, NYSTAGMUS-ASSOCIATED; ACETAZOLAMIDE-RESPONSIVE HEREDITARY PAROXYSMAL CEREBELLAR ATAXIA. Identifiers: Orphanet 97, MedGen C1720416, MONDO:0007163, OMIM 108500.

Submissions (2):

Labcorp Genetics (formerly Invitae), Labcorp
Classification: Uncertain significance for Developmental and epileptic encephalopathy, 42; Episodic ataxia type 2. Last evaluated: 2023-02-10. Review status: criteria provided, single submitter. Criteria: Invitae Variant Classification Sherloc (09022015). Collection method: clinical testing. Allele origin: germline.
Comment: Advanced modeling of protein sequence and biophysical properties (such as structural, functional, and spatial information, amino acid conservation, physicochemical variation, residue mobility, and thermodynamic stability) performed at Invitae indicates that this missense variant is expected to disrupt CACNA1A protein function. This variant has not been reported in the literature in individuals affected with CACNA1A-related conditions. In summary, the available evidence is currently insufficient to determine the role of this variant in disease. Therefore, it has been classified as a Variant of Uncertain Significance. ClinVar contains an entry for this variant (Variation ID: 280762). This variant is not present in population databases (gnomAD no frequency). This sequence change replaces cysteine, which is neutral and slightly polar, with arginine, which is basic and polar, at codon 1369 of the CACNA1A protein (p.Cys1369Arg).

GeneDx
Classification: Pathogenic. Last evaluated: 2016-07-20. Review status: criteria provided, single submitter. Criteria: GeneDx Variant Classification (06012015). Collection method: clinical testing. Allele origin: germline. Affected: yes.
Comment: The C1369R pathogenic variant in the CACNA1A gene has not been reported previously as a pathogenic variant nor as a benign variant, to our knowledge. A variant at the same residue, C1369Y (also reported as C1370Y due to alternate nomenclature), has been reported in an individual with tremor of the head and hands, epilepsy, migraine without aura, and cerebellar atrophy (Geerlings et al., 2011). The C1369Y variant was also reported in a family with familial hemiplegic migraine. However, the variant did not completely segregate with disease in the family, as the variant was only present in 3 out of 4 affected individuals (Thomsen et al., 2007). The C1369R variant was not observed in approximately 6,200 individuals of European and African American ancestry in the NHLBI Exome Sequencing Project, indicating it is not a common benign variant in these populations. The C1369R variant is a non-conservative amino acid substitution, which is likely to impact secondary protein structure as these residues differ in polarity, charge, size and/or other properties. This substitution occurs at a position that is conserved across species, and in silico analysis predicts this variant is probably damaging to the protein structure/function. We interpret C1369R as a pathogenic variant.

NM_001127222.2(CACNA1A):c.4102T>C (p.Cys1368Arg)

Genes: CACNA1A (calcium voltage-gated channel subunit alpha1 A; minus strand), LOC126862864 (MED14-independent group 3 enhancer GRCh37_chr19:13371552-13372751; plus strand). Cytogenetic location: 19p13.13.
Variant type: single nucleotide variant.
Coding change: c.4102T>C on transcript NM_001127222.2 (MANE Select); coding-DNA position 4102, T replaced by C.
Protein change: p.Cys1368Arg; replaces cysteine 1368 with arginine.
Molecular consequence: missense variant.
Genome position (GRCh38, 1-based): chr19:13,261,598, A>G on the plus strand (T>C on the coding strand, the complement: CACNA1A is on the minus strand). VCF-style: chr19-13261598-A-G. GRCh37 (hg19) VCF-style: chr19-13372412-A-G.
Other names: c.4114T>C, p.Cys1372Arg (NM_000068.4, NM_023035.3); c.4105T>C, p.Cys1369Arg (NM_001127221.2, NM_001174080.2); short protein forms C1369R, C1368R, C1372R.
Identifiers: ClinVar variation 280762 (VCV000280762.13), dbSNP rs886041909, ClinGen allele CA10603345.
Genomic context (GRCh38, chr19:13,261,598, plus strand): 5'-ACATGAATAGCATGTAGACGATGAGGATGTTGAAGACGTTTTTAAGTGAGTTCACCACAC[A>G]GTCAAACACAGCCTGTGGGGTGGAGTTGACAGAGAGCATGAGGGGCTGGGGACCTGCCCA-3'
Protein context (NP_001120694.1, residues 1358-1378): RLPKLKAVFD[Cys1368Arg]VVNSLKNVFN